The following is an entry in ClinVar:

NM_001267550.2(TTN):c.78661C>A (p.Pro26221Thr)

Genes: TTN (titin; minus strand), TTN-AS1 (TTN antisense RNA 1; plus strand). Cytogenetic location: 2q31.2.
Variant type: single nucleotide variant.
Coding change: c.78661C>A on transcript NM_001267550.2 (MANE Select); coding-DNA position 78661, C replaced by A.
Protein change: p.Pro26221Thr; replaces proline 26221 with threonine.
Molecular consequence: missense variant.
Genome position (GRCh38, 1-based): chr2:178,567,471, G>T on the plus strand (C>A on the coding strand, the complement: TTN is on the minus strand). VCF-style: chr2-178567471-G-T. GRCh37 (hg19) VCF-style: chr2-179432198-G-T.
Other names: c.51466C>A, p.Pro17156Thr (NM_003319.4); c.70957C>A, p.Pro23653Thr (NM_133378.4); c.51841C>A, p.Pro17281Thr (NM_133432.3); c.52042C>A, p.Pro17348Thr (NM_133437.4); c.73738C>A, p.Pro24580Thr (NM_001256850.1); short protein forms P17156T, P17281T, P17348T, P23653T, P24580T, P26221T.
Identifiers: ClinVar variation 4528191 (VCV004528191.1).

ClinVar aggregate classification (germline): Uncertain significance (1 of 4 stars; one submission).

gnomAD v4.1: 6 of 1,613,056 alleles (0.00037%); highest among the groups gnomAD compares: Non-Finnish European, 0.00051%; no homozygotes.

Submission:

GeneDx
Classification: Uncertain significance. Last evaluated: 2025-05-07. Review status: criteria provided, single submitter. Criteria: GeneDx Variant Classification Process June 2021. Collection method: clinical testing. Allele origin: germline. Affected: yes.
Comment: Not observed at significant frequency in large population cohorts (gnomAD); Missense variant in a gene in which most reported pathogenic variants are truncating/loss of function; Has not been previously published as pathogenic or benign to our knowledge